The following is an entry in ClinVar:

NM_001903.5(CTNNA1):c.112A>T (p.Thr38Ser)

Gene: CTNNA1 (catenin alpha 1; plus strand). Cytogenetic location: 5q31.2.
Variant type: single nucleotide variant.
Coding change: c.112A>T on transcript NM_001903.5 (MANE Select); coding-DNA position 112, A replaced by T.
Protein change: p.Thr38Ser; replaces threonine 38 with serine.
Molecular consequence: missense variant. On other transcripts: 5 prime UTR variant (1), intron variant (1).
Genome position (GRCh38, 1-based): chr5:138,783,183, A>T. VCF-style: chr5-138783183-A-T. GRCh37 (hg19) VCF-style: chr5-138118872-A-T.
Other names: c.112A>T, p.Thr38Ser (NM_001290307.3, NM_001323982.2, NM_001323983.1 and 3 more transcripts); c.-95A>T (NM_001290310.3); c.-9+1154A>T (NM_001290309.3); short protein forms T38S.
Identifiers: ClinVar variation 2059356 (VCV002059356.4), dbSNP rs2532177792, ClinGen allele CA361477272.

ClinVar aggregate classification (germline): Uncertain significance (1 of 4 stars; one submission).

Submission:

Labcorp Genetics (formerly Invitae), Labcorp
Classification: Uncertain significance. Last evaluated: 2021-12-24. Review status: criteria provided, single submitter. Criteria: Invitae Variant Classification Sherloc (09022015). Collection method: clinical testing. Allele origin: germline.
Comment: This variant has not been reported in the literature in individuals affected with CTNNA1-related conditions. Algorithms developed to predict the effect of missense changes on protein structure and function are either unavailable or do not agree on the potential impact of this missense change (SIFT: "Deleterious"; PolyPhen-2: "Probably Damaging"; Align-GVGD: "Class C0"). In summary, the available evidence is currently insufficient to determine the role of this variant in disease. Therefore, it has been classified as a Variant of Uncertain Significance. This variant is not present in population databases (gnomAD no frequency). This sequence change replaces threonine, which is neutral and polar, with serine, which is neutral and polar, at codon 38 of the CTNNA1 protein (p.Thr38Ser).